The following is an entry in ClinVar:

NM_020347.4(LZTFL1):c.384G>A (p.Lys128=)

Gene: LZTFL1 (leucine zipper transcription factor like 1; minus strand). Cytogenetic location: 3p21.31.
Variant type: single nucleotide variant.
Coding change: c.384G>A on transcript NM_020347.4 (MANE Select); coding-DNA position 384, G replaced by A.
Protein change: p.Lys128=; no amino-acid change (lysine 128 retained).
Molecular consequence: synonymous variant. On other transcripts: non-coding transcript variant (2).
Genome position (GRCh38, 1-based): chr3:45,834,238, C>T on the plus strand (G>A on the coding strand, the complement: LZTFL1 is on the minus strand). VCF-style: chr3-45834238-C-T. GRCh37 (hg19) VCF-style: chr3-45875730-C-T.
Other names: c.333G>A, p.Lys111= (NM_001276378.2, NM_001386451.1, NM_001405922.1 and 4 more transcripts); c.372G>A, p.Lys124= (NM_001276379.2, NM_001405921.1); c.384G>A, p.Lys128= (NM_001386452.1, NM_001405924.1); c.408G>A, p.Lys136= (NM_001405920.1, NM_001405925.1).
Identifiers: ClinVar variation 2780021 (VCV002780021.3), dbSNP rs2529787009, ClinGen allele CA433444516.

ClinVar aggregate classification (germline): Likely pathogenic (1 of 4 stars; one submission).

Submission:

Labcorp Genetics (formerly Invitae), Labcorp
Classification: Likely pathogenic. Last evaluated: 2023-11-28. Review status: criteria provided, single submitter. Criteria: Invitae Variant Classification Sherloc (09022015). Collection method: clinical testing. Allele origin: germline.
Comment: This sequence change affects codon 128 of the LZTFL1 mRNA. It is a 'silent' change, meaning that it does not change the encoded amino acid sequence of the LZTFL1 protein. This variant also falls at the last nucleotide of exon 4, which is part of the consensus splice site for this exon. This variant is not present in population databases (gnomAD no frequency). This variant has been observed in individual(s) with Bardet-Biedl syndrome (PMID: 32686083). Variants that disrupt the consensus splice site are a relatively common cause of aberrant splicing (PMID: 17576681, 9536098). Algorithms developed to predict the effect of sequence changes on RNA splicing suggest that this variant may disrupt the consensus splice site. In summary, the currently available evidence indicates that the variant is pathogenic, but additional data are needed to prove that conclusively. Therefore, this variant has been classified as Likely Pathogenic.

Literature cited by the submitters: PubMed 32686083; PubMed 17576681; PubMed 9536098.